The following is an entry in ClinVar:

NM_001267550.2(TTN):c.63439G>A (p.Ala21147Thr)

Genes: TTN (titin; minus strand), TTN-AS1 (TTN antisense RNA 1; plus strand). Cytogenetic location: 2q31.2.
Variant type: single nucleotide variant.
Coding change: c.63439G>A on transcript NM_001267550.2 (MANE Select); coding-DNA position 63439, G replaced by A.
Protein change: p.Ala21147Thr; replaces alanine 21147 with threonine.
Molecular consequence: missense variant.
Genome position (GRCh38, 1-based): chr2:178,587,968, C>T on the plus strand (G>A on the coding strand, the complement: TTN is on the minus strand). VCF-style: chr2-178587968-C-T. GRCh37 (hg19) VCF-style: chr2-179452695-C-T.
Other names: p.A19506T:GCC>ACC; c.36244G>A, p.Ala12082Thr (NM_003319.4); c.36619G>A, p.Ala12207Thr (NM_133432.3); c.36820G>A, p.Ala12274Thr (NM_133437.4); c.58516G>A, p.Ala19506Thr (NM_001256850.1); c.55735G>A, p.Ala18579Thr (NM_133378.4); short protein forms A18579T, A21147T, A19506T, A12274T, A12207T, A12082T.
Identifiers: ClinVar variation 178202 (VCV000178202.83), dbSNP rs72646853, ClinGen allele CA181764.
Genomic context (GRCh38, chr2:178,587,968, plus strand): 5'-CTTTAGGTTTGATAGCTTCCTTTAGCTCTGCAGGGCGCCCAATACCAACTTGGTTTTGGG[C>T]ACACACCCTGAACTCATATTCCTGGTTTTCATCCAAGCTGGTAACAGTGAATTCCTTGCG-3'
Protein context (NP_001254479.2, residues 21137-21157): ENQEYEFRVC[Ala21147Thr]QNQVGIGRPA

ClinVar aggregate classification (germline): Conflicting classifications of pathogenicity. Review status: criteria provided, conflicting classifications (1 of 4 stars). 25 submissions from 21 submitters: Uncertain significance (6); Benign (7); Likely benign (6). 6 of the submissions do not count toward it. Last evaluated 2026-09-21.

Conditions:
Cardiovascular phenotype. Identifiers: MedGen CN230736.
TTN-related disorder. Also called: TTN-related disorders; TTN-related condition; TTN-related disease.
Dilated cardiomyopathy 1G (CMD1G). Identifiers: Orphanet 154, MedGen C1858763, MONDO:0011400, OMIM 604145.
Autosomal recessive limb-girdle muscular dystrophy type 2J (LGMDR10). Also called: Limb-girdle muscular dystrophy, type 2J; MUSCULAR DYSTROPHY, LIMB-GIRDLE, AUTOSOMAL RECESSIVE 10. Identifiers: Orphanet 140922, MedGen C1837342, MONDO:0012127, OMIM 608807.
Cardiomyopathy (CMYO). Also called: Cardiomyopathies. Identifiers: Orphanet 167848, MedGen C0878544, MONDO:0004994, HP:0001638. Inheritance: Various modes of inheritance.
Tibial muscular dystrophy (TMD). Also called: UDD MYOPATHY; Tibial muscular dystrophy, tardive; Udd Distal Myopathy – Tibial Muscular Dystrophy. Identifiers: Orphanet 609, MedGen C1838244, MONDO:0010870, OMIM 600334.
Early-onset myopathy with fatal cardiomyopathy (CMYO5). Also called: CONGENITAL MYOPATHY 5 WITH CARDIOMYOPATHY; Salih Myopathy. Identifiers: Orphanet 289377, MedGen C2673677, MONDO:0012714, OMIM 611705. Disease mechanism: loss of function.
Myopathy, myofibrillar, 9, with early respiratory failure (MFM9). Also called: Hereditary myopathy with early respiratory failure; MYOPATHY, PROXIMAL, WITH EARLY RESPIRATORY MUSCLE INVOLVEMENT; EDSTROM MYOPATHY; Myopathy, distal, with early respiratory failure, autosomal dominant. Identifiers: Orphanet 178464, Orphanet 34521, MedGen C1863599, MONDO:0011362, OMIM 603689.
Primary dilated cardiomyopathy (DCM). Also called: Dilated Cardiomyopathy. Identifiers: Orphanet 217604, MedGen C0007193, MeSH D002311, MONDO:0005021, HP:0001644. Inheritance: Various modes of inheritance.
Tip-toe gait. Also called: Toe walking. Identifiers: MedGen C0427144, HP:0030051.

Allele frequency attached by ClinVar (database versions not stated): ESP Exome Variant Server 0.00008; TOPMed 0.00015; gnomAD 0.00018 and 0.00031; gnomAD exomes 0.00059; ExAC 0.00076; 1000 Genomes Project 0.00080; 1000 Genomes Project 30x 0.00094.
gnomAD v4.1: 677 of 1,611,354 alleles (0.042%); highest among the groups gnomAD compares: South Asian, 0.4%; 9 homozygotes.

Submissions 1 to 13 of 25:

Molecular Diagnostic Laboratory for Inherited Cardiovascular Disease, Montreal Heart Institute
Classification: Likely benign. Last evaluated: 2026-09-21. Review status: criteria provided, single submitter. Criteria: ACMG Guidelines, 2015. Collection method: clinical testing. Allele origin: germline. Affected: no.
Comment: BS1;BP1

CeGaT Center for Human Genetics Tuebingen
Classification: Likely benign. Last evaluated: 2026-06-01. Review status: criteria provided, single submitter. Criteria: CeGaT Center For Human Genetics Tuebingen Variant Classification Criteria Version 2. Collection method: clinical testing. Allele origin: germline. Affected: yes. Observed: 11 variant alleles.
Comment: TTN: BP5, BS2

Women's Health and Genetics/Laboratory Corporation of America, LabCorp
Classification: Likely benign. Last evaluated: 2026-04-20. Review status: criteria provided, single submitter. Criteria: LabCorp Variant Classification Summary - May 2015. Collection method: clinical testing. Allele origin: germline.
Comment: Variant summary: TTN c.55735G>A (p.Ala18579Thr) results in a non-conservative amino acid change in the encoded protein sequence. Algorithms developed to predict the effect of missense changes on protein structure and function all suggest that this variant is likely to be disruptive. The variant allele was found at a frequency of 0.00059 in 244908 control chromosomes in the gnomAD database, including 2 homozygotes. The observed variant frequency exceeds the estimated maximal expected allele frequency for disease-causing variants in TTN. c.55735G>A has been observed in individuals affected with Dilated Cardiomyopathy or Arrhythmogenic Right Ventricular Cardiomyopathy, without strong evidence for causality (e.g. Taylor_2011, Horvat_2019, Al Shafai_2021). These reports do not provide unequivocal conclusions about association of the variant with Dilated Cardiomyopathy or other TTN-related conditions. To our knowledge, no experimental evidence demonstrating an impact on protein function has been reported. The following publications have been ascertained in the context of this evaluation (PMID: 21810661, 34137518, 29892087). ClinVar contains an entry for this variant (Variation ID: 178202). Based on the evidence outlined above, the variant was classified as likely benign.

Labcorp Genetics (formerly Invitae), Labcorp
Classification: Likely benign for Dilated cardiomyopathy 1G; Autosomal recessive limb-girdle muscular dystrophy type 2J. Last evaluated: 2026-02-01. Review status: criteria provided, single submitter. Criteria: Invitae Variant Classification Sherloc (09022015). Collection method: clinical testing. Allele origin: germline.

ARUP Laboratories, Molecular Genetics and Genomics, ARUP Laboratories
Classification: Likely benign. Last evaluated: 2024-11-20. Review status: criteria provided, single submitter. Criteria: ARUP Molecular Germline Variant Investigation Process 2024. Collection method: clinical testing. Allele origin: germline.

Blueprint Genetics
Classification: Likely benign. Last evaluated: 2024-10-16. Review status: criteria provided, single submitter. Criteria: ACMG Guidelines, 2015. Collection method: clinical testing. Allele origin: germline.

Athena Diagnostics
Classification: Benign. Last evaluated: 2024-05-07. Review status: criteria provided, single submitter. Criteria: Athena Diagnostics Criteria. Collection method: clinical testing. Allele origin: unknown.

GeneDx
Classification: Benign. Last evaluated: 2021-02-16. Review status: criteria provided, single submitter. Criteria: GeneDx Variant Classification Process June 2021. Collection method: clinical testing. Allele origin: germline. Affected: yes.
Comment: This variant is associated with the following publications: (PMID: 24980681, 31402444, 23299917, 21810661, 25157032, 26187847, 25214167)

Practice for Gait Abnormalities, David Pomarino, Competency Network Toe Walking C/o Practice Pomarino
Classification: Uncertain significance for Tip-toe gait. Last evaluated: 2020-11-10. Review status: criteria provided, single submitter. Criteria: ACMG Guidelines, 2015. Collection method: clinical testing. Allele origin: unknown. Affected: yes.
Comment: Myopathy refers to diseases that affect skeletal Muscles. These diseases attack muscle fibers, making muscles weak. Inherited myopathies are often caused by inheriting an abnormal gene mutation from a parent that causes the disease. Symptoms of congenital myopathies usually start at birth or in early childhood, but may not appear until the teen years or even later in adulthood. Congenital myopathies are somewhat unique compared with other inherited myopathies, as weakness typically affects all muscles and is often not progressive. Symptoms are: Muscle weakness, most commonly of upper arms and shoulders and thighs, muscle cramps, stiffness and spasms, fatigue with exertion and lack of energy. Our patients all walk on tiptoe, so they show similar symptoms. When we genetically test them with our toe walking panel, we find that around 90 per cent of them have a genetic variant that explains their toe walking. These can be assigned, for example, to the area of myopathies (such as variants of the COL6A3 gene), the area of hereditary neuropathies (such as variants of the KMT2C gene) or the area of metabolic diseases (such as variants of the PYGM gene). In a smaller group of patients with almost identical symptoms, no abnormality is found in the genes of our panel, but spastic paraplegia can be detected. In another small group of our toe walkers, no abnormalities can be detected in the genes analysed in our toe walking panel, nor do they suffer from spastic paraplegia, as is also the case with healthy children. In contrast to these, however, they show a tiptoe gait. These patients suffer from infantile cerebral palsy, in which toe walking can also be observed.

Ambry Genetics
Classification: Benign for Cardiovascular phenotype. Last evaluated: 2020-05-29. Review status: criteria provided, single submitter. Criteria: Ambry Autosomal Dominant and X-Linked criteria (2/2020). Collection method: clinical testing. Allele origin: germline. Observed: 1 variant allele.
Comment: General population or subpopulation frequency is too high to be a pathogenic mutation based on disease/syndrome prevalence and penetrance

Laboratory for Molecular Medicine, Mass General Brigham Personalized Medicine
Classification: Benign. Last evaluated: 2018-11-09. Review status: criteria provided, single submitter. Criteria: LMM Criteria. Collection method: clinical testing. Allele origin: germline. Observed: 2 variant alleles.
Comment: proposed classification - variant undergoing re-assessment, contact laboratory

CHEO Genetics Diagnostic Laboratory, Children's Hospital of Eastern Ontario
Classification: Benign for Cardiomyopathy. Last evaluated: 2017-11-28. Review status: criteria provided, single submitter. Criteria: ACMG Guidelines, 2015. Collection method: clinical testing. Allele origin: germline.

Illumina Laboratory Services, Illumina
Classification: Uncertain significance for Autosomal recessive limb-girdle muscular dystrophy type 2J. Last evaluated: 2017-04-28. Review status: criteria provided, single submitter. Criteria: ICSL Variant Classification Criteria 13 December 2019. Collection method: clinical testing. Allele origin: germline.
Comment: This variant was observed as part of a predisposition screen in an ostensibly healthy population. A literature search was performed for the gene, cDNA change, and amino acid change (where applicable). Publications were found based on this search. However, the evidence from the literature, in combination with allele frequency data from public databases where available, was not sufficient to rule this variant in or out of causing disease. Therefore, this variant is classified as a variant of unknown significance.